The following is an entry in ClinVar:

ClinVar aggregate classification (germline): Uncertain significance (1 of 4 stars; one submission).

Conditions:
Intellectual developmental disorder with behavioral abnormalities and craniofacial dysmorphism with or without seizures. Identifiers: MedGen C5231476, MONDO:0032883, OMIM 618725.

gnomAD v4.1: 1 of 1,596,438 alleles (0.000063%); highest among the groups gnomAD compares: Non-Finnish European, 0.000086%; no homozygotes.

Submission:

Juno Genomics, Hangzhou Juno Genomics, Inc
Classification: Uncertain significance for Intellectual developmental disorder with behavioral abnormalities and craniofacial dysmorphism with or without seizures. Review status: criteria provided, single submitter. Criteria: ACMG Guidelines, 2015. Collection method: clinical testing. Allele origin: germline.
Comment: Absent from controls (or at extremely low frequency if recessive) in Genome Aggregation Database.;Multiple lines of computational evidence support a deleterious effect on the gene or gene product.

NM_001352027.3(PHF21A):c.57A>G (p.Lys19=)

Gene: PHF21A (PHD finger protein 21A; minus strand). Cytogenetic location: 11p11.2.
Variant type: single nucleotide variant.
Coding change: c.57A>G on transcript NM_001352027.3 (MANE Select); coding-DNA position 57, A replaced by G.
Protein change: p.Lys19=; no amino-acid change (lysine 19 retained).
Molecular consequence: synonymous variant. On other transcripts: non-coding transcript variant (2).
Genome position (GRCh38, 1-based): chr11:46,079,164, T>C on the plus strand (A>G on the coding strand, the complement: PHF21A is on the minus strand). VCF-style: chr11-46079164-T-C. GRCh37 (hg19) VCF-style: chr11-46100715-T-C.
Other names: c.57A>G, p.Lys19= (NM_001101802.3, NM_001352025.3, NM_001352026.3 and 12 more transcripts).
Identifiers: ClinVar variation 5007867 (VCV005007867.2).